The following is an entry in ClinVar:

ClinVar aggregate classification (germline): Uncertain significance (1 of 4 stars; one submission).

gnomAD v4.1: 1 of 1,588,916 alleles (0.000063%); highest among the groups gnomAD compares: Non-Finnish European, 0.000086%; no homozygotes.

Submission:

GeneDx
Classification: Uncertain significance. Last evaluated: 2025-08-08. Review status: criteria provided, single submitter. Criteria: GeneDx Variant Classification Process June 2021. Collection method: clinical testing. Allele origin: germline. Affected: yes.
Comment: Not observed at significant frequency in large population cohorts (gnomAD); In silico analysis suggests that this missense variant does not alter protein structure/function; Has not been previously published as pathogenic or benign to our knowledge

NM_001378454.1(ALMS1):c.190C>T (p.His64Tyr)

Gene: ALMS1 (ALMS1 centrosome and basal body associated protein; plus strand). Cytogenetic location: 2p13.1.
Variant type: single nucleotide variant.
Coding change: c.190C>T on transcript NM_001378454.1 (MANE Select); coding-DNA position 190, C replaced by T.
Protein change: p.His64Tyr; replaces histidine 64 with tyrosine.
Molecular consequence: missense variant.
Genome position (GRCh38, 1-based): chr2:73,386,058, C>T. VCF-style: chr2-73386058-C-T. GRCh37 (hg19) VCF-style: chr2-73613186-C-T.
Other names: c.193C>T, p.His65Tyr (NM_015120.4); short protein forms H64Y, H65Y.
Identifiers: ClinVar variation 4755889 (VCV004755889.1).